The following is an entry in ClinVar:

ClinVar aggregate classification (germline): Uncertain significance (1 of 4 stars; one submission).

Conditions:
Myofibrillar myopathy 5. Also called: FILAMINOPATHY, AUTOSOMAL DOMINANT; Filaminopathy (type). Identifiers: Orphanet 171445, MedGen C1836050, MONDO:0012289, OMIM 609524.
Hypertrophic cardiomyopathy 26. Also called: Cardiomyopathy, familial hypertrophic, 26. Identifiers: Orphanet 75249, MedGen C4310749, MONDO:0014883, OMIM 617047.
Distal myopathy with posterior leg and anterior hand involvement. Also called: WILLIAMS DISTAL MYOPATHY. Identifiers: Orphanet 63273, MedGen C3279722, MONDO:0013550, OMIM 614065.

Submission:

Labcorp Genetics (formerly Invitae), Labcorp
Classification: Uncertain significance for Distal myopathy with posterior leg and anterior hand involvement; Myofibrillar myopathy 5; Hypertrophic cardiomyopathy 26. Last evaluated: 2022-10-13. Review status: criteria provided, single submitter. Criteria: Invitae Variant Classification Sherloc (09022015). Collection method: clinical testing. Allele origin: germline.
Comment: This variant, c.2630_2631insTCT, results in the insertion of 1 amino acid(s) of the FLNC protein (p.Leu877dup), but otherwise preserves the integrity of the reading frame. This variant is not present in population databases (gnomAD no frequency). In summary, the available evidence is currently insufficient to determine the role of this variant in disease. Therefore, it has been classified as a Variant of Uncertain Significance. Experimental studies and prediction algorithms are not available or were not evaluated, and the functional significance of this variant is currently unknown. This variant has not been reported in the literature in individuals affected with FLNC-related conditions.

NM_001458.5(FLNC):c.2630_2631insTCT (p.Leu877_Asn878insLeu)

Gene: FLNC (filamin C; plus strand). Cytogenetic location: 7q32.1.
Variant type: Insertion.
Coding change: c.2630_2631insTCT on transcript NM_001458.5 (MANE Select); coding-DNA positions 2630 to 2631, TCT inserted.
Protein change: p.Leu877_Asn878insLeu.
Molecular consequence: inframe insertion.
Genome position: GRCh38 VCF-style: chr7-128843306-G-GCTT. GRCh37 (hg19) VCF-style: chr7-128483360-G-GCTT.
Other names: c.2630_2631insTCT, p.Leu877_Asn878insLeu (NM_001127487.2).
Identifiers: ClinVar variation 2170582 (VCV002170582.4), dbSNP rs2536633382, ClinGen allele CA2580076530.